The following is an entry in ClinVar:

NM_032043.3(BRIP1):c.1389A>G (p.Ser463=)

Gene: BRIP1 (BRCA1 interacting DNA helicase 1; minus strand). Cytogenetic location: 17q23.2.
Variant type: single nucleotide variant.
Coding change: c.1389A>G on transcript NM_032043.3 (MANE Select); coding-DNA position 1389, A replaced by G.
Protein change: p.Ser463=; no amino-acid change (serine 463 retained).
Molecular consequence: synonymous variant.
Genome position (GRCh38, 1-based): chr17:61,793,681, T>C on the plus strand (A>G on the coding strand, the complement: BRIP1 is on the minus strand). VCF-style: chr17-61793681-T-C. GRCh37 (hg19) VCF-style: chr17-59871042-T-C.
Identifiers: ClinVar variation 2626382 (VCV002626382.5), dbSNP rs2545107450, ClinGen allele CA501151294.

ClinVar aggregate classification (germline): Conflicting classifications of pathogenicity. Review status: criteria provided, conflicting classifications (1 of 4 stars). 3 submissions from 3 submitters: Uncertain significance (1); Likely benign (2). Last evaluated 2024-02-03.

Conditions:
Fanconi anemia complementation group J. Also called: BRIP1-Related Fanconi Anemia. Identifiers: Orphanet 84, MedGen C1836860, MONDO:0012187, OMIM 609054.
Familial cancer of breast. Also called: Hereditary breast cancer; hereditary breast carcinoma; BREAST CANCER, FAMILIAL. Identifiers: Orphanet 227535, MedGen C0346153, MONDO:0016419, OMIM 114480. Disease mechanism: loss of function.
Hereditary cancer-predisposing syndrome. Also called: Tumor predisposition; Neoplastic Syndromes, Hereditary; Hereditary Cancer Syndrome; Hereditary neoplastic syndrome. Identifiers: Orphanet 140162, MedGen C0027672, MeSH D009386, MONDO:0015356.

Submissions (3):

Labcorp Genetics (formerly Invitae), Labcorp
Classification: Likely benign for Familial cancer of breast; Fanconi anemia complementation group J. Last evaluated: 2024-02-03. Review status: criteria provided, single submitter. Criteria: Invitae Variant Classification Sherloc (09022015). Collection method: clinical testing. Allele origin: germline.

Ambry Genetics
Classification: Likely benign for Hereditary cancer-predisposing syndrome. Last evaluated: 2023-07-27. Review status: criteria provided, single submitter. Criteria: Ambry Variant Classification Scheme 2023. Collection method: clinical testing. Allele origin: germline.

Quest Diagnostics Nichols Institute San Juan Capistrano
Classification: Uncertain significance. Last evaluated: 2023-04-26. Review status: criteria provided, single submitter. Criteria: Quest Diagnostics criteria. Collection method: clinical testing. Allele origin: unknown.
Comment: This variant has not been reported in the published literature. It also has not been reported in large, multi-ethnic general populations. Analysis of this variant using software algorithms for the prediction of the effect of nucleotide changes on splicing yielded predictions that this variant does not affect BRIP1 mRNA splicing . Based on the available information, we are unable to determine the clinical significance of this variant.